The following is an entry in ClinVar:

NM_182931.3(KMT2E):c.1388A>G (p.Lys463Arg)

Gene: KMT2E (lysine methyltransferase 2E (inactive); plus strand). Cytogenetic location: 7q22.3.
Variant type: single nucleotide variant.
Coding change: c.1388A>G on transcript NM_182931.3 (MANE Select); coding-DNA position 1388, A replaced by G.
Protein change: p.Lys463Arg; replaces lysine 463 with arginine.
Molecular consequence: missense variant.
Genome position (GRCh38, 1-based): chr7:105,090,038, A>G. VCF-style: chr7-105090038-A-G. GRCh37 (hg19) VCF-style: chr7-104730485-A-G.
Other names: c.1388A>G, p.Lys463Arg (NM_001410908.1, NM_018682.4); short protein forms K463R.
Identifiers: ClinVar variation 2657909 (VCV002657909.25), dbSNP rs1798136313, ClinGen allele CA368782097.

ClinVar aggregate classification (germline): Uncertain significance. Review status: criteria provided, multiple submitters, no conflicts (2 of 4 stars). 2 submissions from 2 submitters: Uncertain significance (2). Last evaluated 2025-12-26.

Submissions (2):

Labcorp Genetics (formerly Invitae), Labcorp
Classification: Uncertain significance. Last evaluated: 2025-12-26. Review status: criteria provided, single submitter. Criteria: Invitae Variant Classification Sherloc (09022015). Collection method: clinical testing. Allele origin: germline.
Comment: This sequence change replaces lysine, which is basic and polar, with arginine, which is basic and polar, at codon 463 of the KMT2E protein (p.Lys463Arg). This variant is not present in population databases (gnomAD no frequency). This variant has not been reported in the literature in individuals affected with KMT2E-related conditions. ClinVar contains an entry for this variant (Variation ID: 2657909). Invitae Evidence Modeling of protein sequence and biophysical properties (such as structural, functional, and spatial information, amino acid conservation, physicochemical variation, residue mobility, and thermodynamic stability) indicates that this missense variant is not expected to disrupt KMT2E protein function with a negative predictive value of 80%. In summary, the available evidence is currently insufficient to determine the role of this variant in disease. Therefore, it has been classified as a Variant of Uncertain Significance.

CeGaT Center for Human Genetics Tuebingen
Classification: Uncertain significance. Last evaluated: 2023-08-01. Review status: criteria provided, single submitter. Criteria: CeGaT Center For Human Genetics Tuebingen Variant Classification Criteria Version 2. Collection method: clinical testing. Allele origin: germline. Affected: yes. Observed: 1 variant allele.
Comment: KMT2E: PM2